The following is an entry in ClinVar:

NC_000022.10:g.(?_17565962)_(18570861_?)dup

Genes: CECR3 (cat eye syndrome chromosome region, candidate 3; minus strand), HDHD5 (haloacid dehalogenase like hydrolase domain containing 5; minus strand), ADA2 (adenosine deaminase 2; minus strand), ATP6V1E1 (ATPase H+ transporting V1 subunit E1; minus strand), BCL2L13 (BCL2 like 13; plus strand) and 7 more. Cytogenetic location: 22q11.1-11.21.
Variant type: Duplication.
Identifiers: ClinVar variation 655211 (VCV000655211.1).

ClinVar aggregate classification (germline): Uncertain significance (1 of 4 stars; one submission).

Conditions:
Deficiency of adenosine deaminase 2. Also called: Polyarteritis nodosa, childhoood-onset; Adenosine Deaminase 2 Deficiency; VASCULITIS, AUTOINFLAMMATION, IMMUNODEFICIENCY, AND HEMATOLOGIC DEFECTS SYNDROME. Identifiers: Orphanet 404553, MedGen C3887654, MONDO:0014306, OMIM 615688, MONDO:0100317.

Submission:

Labcorp Genetics (formerly Invitae), Labcorp
Classification: Uncertain significance for Polyarteritis nodosa, childhoood-onset. Last evaluated: 2018-11-07. Review status: criteria provided, single submitter. Criteria: Invitae Variant Classification Sherloc (09022015). Collection method: clinical testing. Allele origin: germline.
Comment: This variant results in a copy number gain of the genomic region encompassing the full coding sequence of the ADA2 gene. The boundaries of this event are unknown as they extend beyond the assayed region for this gene and therefore may encompass additional genes. As the precise location of this event is unknown, it may be in tandem or it may be located elsewhere in the genome. The ADA2 gene is located within the chromosome 22q11 region. Duplication of 22q11 has been reported in an individual affected with CAT-Eye Syndrome (PMID:Â¬â€ 22929023). Experimental studies and prediction algorithms are not available for this variant, and the functional significance of this duplication is currently unknown. In summary, the available evidence is currently insufficient to determine the role of this variant in disease. Therefore, it has been classified as a Variant of Uncertain Significance.